The following is an entry in ClinVar:

ClinVar aggregate classification (germline): Conflicting classifications of pathogenicity. Review status: criteria provided, conflicting classifications (1 of 4 stars). 11 submissions from 11 submitters: Uncertain significance (6); Likely benign (5). Last evaluated 2026-01-19.

Conditions:
TSC2-related disorder. Also called: TSC2-Related Disorders; TSC2-related condition.
Hereditary cancer-predisposing syndrome. Also called: Hereditary Cancer Syndrome; Neoplastic Syndromes, Hereditary; Tumor predisposition; Hereditary neoplastic syndrome. Identifiers: Orphanet 140162, MedGen C0027672, MeSH D009386, MONDO:0015356.
Tuberous sclerosis syndrome (TSC). Also called: Tuberous sclerosis; Tuberous Sclerosis Complex. Identifiers: Orphanet 805, MedGen C0041341, MONDO:0001734.
Tuberous sclerosis 2 (TSC2). Identifiers: Orphanet 805, MedGen C1860707, MONDO:0013199, OMIM 613254.

Allele frequency attached by ClinVar (database versions not stated): gnomAD exomes 0.00001 and 0.00002; TOPMed 0.00002; ExAC 0.00004.
gnomAD v4.1: 9 of 1,603,090 alleles (0.00056%); highest among the groups gnomAD compares: Admixed American, 0.0084%; no homozygotes.

Submissions (11):

Labcorp Genetics (formerly Invitae), Labcorp
Classification: Likely benign for Tuberous sclerosis 2. Last evaluated: 2026-01-19. Review status: criteria provided, single submitter. Criteria: Invitae Variant Classification Sherloc (09022015). Collection method: clinical testing. Allele origin: germline.

PreventionGenetics, part of Exact Sciences
Classification: Likely benign for TSC2-related condition. Last evaluated: 2025-12-30. Review status: criteria provided, single submitter. Criteria: ACMG Guidelines, 2015. Collection method: clinical testing. Allele origin: germline.
Comment: This variant is classified as likely benign based on ACMG/AMP sequence variant interpretation guidelines (Richards et al. 2015 PMID: 25741868, with internal and published modifications).

Quest Diagnostics Nichols Institute San Juan Capistrano
Classification: Uncertain significance. Last evaluated: 2024-08-22. Review status: criteria provided, single submitter. Criteria: Quest Diagnostics criteria. Collection method: clinical testing. Allele origin: unknown.
Comment: The TSC2 c.4030G>A (p.Glu1344Lys) variant has not been reported in individuals with TSC2-related conditions in the published literature. The frequency of this variant in the general population, 0.000089 (3/33570 chromosomes in Admixed American subpopulation (Genome Aggregation Database)), is higher than would generally be expected for pathogenic variants in this gene. Analysis of this variant using bioinformatics tools for the prediction of the effect of amino acid changes on protein structure and function yielded conflicting predictions that this variant is benign or damaging. Based on the available information, we are unable to determine the clinical significance of this variant.

All of Us Research Program, National Institutes of Health
Classification: Uncertain significance for Tuberous sclerosis syndrome. Last evaluated: 2024-04-16. Review status: criteria provided, single submitter. Criteria: ACMG Guidelines, 2015. Collection method: clinical testing. Allele origin: germline. Inheritance: Autosomal dominant inheritance. Observed: 6 variant alleles, 6 heterozygotes.
Comment: This missense variant replaces glutamic acid with lysine at codon 1344 of the TSC2 protein. Computational prediction is inconclusive regarding the impact of this variant on protein structure and function (internally defined REVEL score threshold 0.5 < inconclusive < 0.7, PMID: 27666373). To our knowledge, functional studies have not been reported for this variant. This variant has not been reported in individuals affected with tuberous sclerosis complex in the literature. This variant has been identified in 4/230328 chromosomes in the general population by the Genome Aggregation Database (gnomAD). The available evidence is insufficient to determine the role of this variant in disease conclusively. Therefore, this variant is classified as a Variant of Uncertain Significance.

This study involves interpretation of variants in research participants for the purpose of population health screening. Participant phenotype was not available at the time of variant classification. Additional details can be found in publication PMID: 35346344, PMCID: PMC8962531

Color Diagnostics, LLC DBA Color Health
Classification: Uncertain significance for Tuberous sclerosis syndrome. Last evaluated: 2024-03-06. Review status: criteria provided, single submitter. Criteria: ACMG Guidelines, 2015. Collection method: clinical testing. Allele origin: germline.
Comment: This missense variant replaces glutamic acid with lysine at codon 1344 of the TSC2 protein. Computational prediction is inconclusive regarding the impact of this variant on protein structure and function. To our knowledge, functional studies have not been reported for this variant. This variant has not been reported in individuals affected with tuberous sclerosis complex in the literature. This variant has been identified in 4/230328 chromosomes in the general population by the Genome Aggregation Database (gnomAD). The available evidence is insufficient to determine the role of this variant in disease conclusively. Therefore, this variant is classified as a Variant of Uncertain Significance.

Ambry Genetics
Classification: Uncertain significance for Hereditary cancer-predisposing syndrome. Last evaluated: 2024-02-25. Review status: criteria provided, single submitter. Criteria: Ambry Variant Classification Scheme 2023. Collection method: clinical testing. Allele origin: germline.
Comment: The p.E1344K variant (also known as c.4030G>A), located in coding exon 33 of the TSC2 gene, results from a G to A substitution at nucleotide position 4030. The glutamic acid at codon 1344 is replaced by lysine, an amino acid with similar properties. This amino acid position is well conserved in available vertebrate species. In addition, the in silico prediction for this alteration is inconclusive. Since supporting evidence is limited at this time, the clinical significance of this alteration remains unclear.

Myriad Genetics, Inc.
Classification: Likely benign for Tuberous sclerosis 2. Last evaluated: 2024-02-13. Review status: criteria provided, single submitter. Criteria: Myriad Autosomal Dominant, Autosomal Recessive and X-Linked Classification Criteria (2023). Collection method: clinical testing. Allele origin: unknown.
Comment: This variant is considered likely benign. Homozygosity has been confirmed in one or more individuals. As homozygosity for pathogenic variants in this gene is generally assumed to result in embryonic lethality, this variant is unlikely to be pathogenic.

Sema4
Classification: Uncertain significance for Hereditary cancer-predisposing syndrome. Last evaluated: 2022-01-12. Review status: criteria provided, single submitter. Criteria: Sema4 Curation Guidelines. Collection method: curation. Allele origin: germline.
Comment: The TSC2 c.4030G>A (p.E1344K) variant has not been reported in the literature to our knowledge. It was observed in 3/33570 chromosomes of the Latino subpopulation in the large and broad cohorts of the Genome Aggregation Database (PMID: 32461654). This variant has been reported in ClinVar (Variation ID: 207750). Functional studies have not been performed, and in silico predictions of the variant's effect on protein function are inconclusive. The evidence is insufficient to meet ACMG/AMP criteria for classifying the variant as benign or pathogenic. Thus, the clinical significance of this variant is currently uncertain.

Genome-Nilou Lab
Classification: Likely benign for Tuberous sclerosis 2. Last evaluated: 2021-11-07. Review status: criteria provided, single submitter. Criteria: ACMG Guidelines, 2015. Collection method: clinical testing. Allele origin: germline. Affected: no.

GeneDx
Classification: Likely benign. Last evaluated: 2020-01-13. Review status: criteria provided, single submitter. Criteria: GeneDx Variant Classification Process June 2021. Collection method: clinical testing. Allele origin: germline. Affected: yes.
Comment: This variant is associated with the following publications: (PMID: 28492532)

Athena Diagnostics
Classification: Uncertain significance. Last evaluated: 2017-09-15. Review status: criteria provided, single submitter. Criteria: Athena Diagnostics Criteria. Collection method: clinical testing. Allele origin: germline.

NM_000548.5(TSC2):c.4030G>A (p.Glu1344Lys)

Gene: TSC2 (TSC complex subunit 2; plus strand). Cytogenetic location: 16p13.3.
Variant type: single nucleotide variant.
Coding change: c.4030G>A on transcript NM_000548.5 (MANE Select); coding-DNA position 4030, G replaced by A.
Protein change: p.Glu1344Lys; replaces glutamic acid 1344 with lysine.
Molecular consequence: missense variant.
Genome position (GRCh38, 1-based): chr16:2,084,252, G>A. VCF-style: chr16-2084252-G-A. GRCh37 (hg19) VCF-style: chr16-2134253-G-A.
Other names: p.E1344K:GAG>AAG; c.3829G>A, p.Glu1277Lys (NM_001077183.3); c.3961G>A, p.Glu1321Lys (NM_001114382.3); c.3721G>A, p.Glu1241Lys (NM_001318827.2); c.3685G>A, p.Glu1229Lys (NM_001318829.2); c.3298G>A, p.Glu1100Lys (NM_001318831.2); c.3862G>A, p.Glu1288Lys (NM_001318832.2); c.3832G>A, p.Glu1278Lys (NM_001363528.2); and 3 more; short protein forms E1344K, E1278K, E1321K, E1241K, E1301K, E1100K, E1288K, E1229K.
Identifiers: ClinVar variation 207750 (VCV000207750.24), dbSNP rs397515035, ClinGen allele CA050233.
Genomic context (GRCh38, chr16:2,084,252, plus strand): 5'-GCTGACAGGGGTTCTCTTTGGGATGGTCCTTTCTAGTCGTCCTCAGTCTCCAGCCAGGAG[G>A]AGAAGTCGCTCCACGCGGAGGAGCTGGTTGGCAGGGGCATCCCCATCGAGCGAGTCGTCT-3'
Protein context (NP_000539.2, residues 1334-1354): SRSSSVSSQE[Glu1344Lys]KSLHAEELVG